The following is an entry in ClinVar:

NM_000038.6(APC):c.4804C>A (p.Pro1602Thr)

Gene: APC (APC regulator of Wnt signaling pathway; plus strand). Cytogenetic location: 5q22.2.
Variant type: single nucleotide variant.
Coding change: c.4804C>A on transcript NM_000038.6 (MANE Select); coding-DNA position 4804, C replaced by A.
Protein change: p.Pro1602Thr; replaces proline 1602 with threonine.
Molecular consequence: missense variant.
Genome position (GRCh38, 1-based): chr5:112,840,398, C>A. VCF-style: chr5-112840398-C-A. GRCh37 (hg19) VCF-style: chr5-112176095-C-A.
Other names: c.4804C>A, p.Pro1602Thr (NM_001127510.3, NM_001354895.2); c.4750C>A, p.Pro1584Thr (NM_001127511.3); c.4858C>A, p.Pro1620Thr (NM_001354896.2); c.4834C>A, p.Pro1612Thr (NM_001354897.2); c.4729C>A, p.Pro1577Thr (NM_001354898.2); c.4720C>A, p.Pro1574Thr (NM_001354899.2); c.4681C>A, p.Pro1561Thr (NM_001354900.2); c.4627C>A, p.Pro1543Thr (NM_001354901.2); and 5 more; short protein forms P1319T, P1442T, P1476T, P1501T, P1511T, P1543T, P1561T, P1574T.
Identifiers: ClinVar variation 1743215 (VCV001743215.7), dbSNP rs1408572186, ClinGen allele CA16031859.

ClinVar aggregate classification (germline): Uncertain significance. Review status: criteria provided, multiple submitters, no conflicts (2 of 4 stars). 3 submissions from 3 submitters: Uncertain significance (3). Last evaluated 2025-11-05.

Conditions:
Classic or attenuated familial adenomatous polyposis. Identifiers: MedGen CN372698, MONDO:0021057.
Hereditary cancer-predisposing syndrome. Also called: Hereditary Cancer Syndrome; Neoplastic Syndromes, Hereditary; Tumor predisposition; Hereditary neoplastic syndrome. Identifiers: Orphanet 140162, MedGen C0027672, MeSH D009386, MONDO:0015356.
Familial adenomatous polyposis 1 (FAP1). Also called: FAMILIAL ADENOMATOUS POLYPOSIS 1, ATTENUATED; POLYPOSIS, ADENOMATOUS INTESTINAL. Identifiers: MedGen C2713442, MONDO:0021056, OMIM 175100. Disease mechanism: loss of function.

Allele frequency attached by ClinVar (database versions not stated): TOPMed below 0.00001; gnomAD 0.00001.
gnomAD v4.1: 1 of 1,614,064 alleles (0.000062%); highest among the groups gnomAD compares: Non-Finnish European, 0.000085%; no homozygotes.

Submissions (3):

Labcorp Genetics (formerly Invitae), Labcorp
Classification: Uncertain significance for Familial adenomatous polyposis 1. Last evaluated: 2025-11-05. Review status: criteria provided, single submitter. Criteria: Invitae Variant Classification Sherloc (09022015). Collection method: clinical testing. Allele origin: germline.
Comment: This sequence change replaces proline, which is neutral and non-polar, with threonine, which is neutral and polar, at codon 1602 of the APC protein (p.Pro1602Thr). This variant is not present in population databases (gnomAD no frequency). This variant has not been reported in the literature in individuals affected with APC-related conditions. ClinVar contains an entry for this variant (Variation ID: 1743215). Invitae Evidence Modeling of protein sequence and biophysical properties (such as structural, functional, and spatial information, amino acid conservation, physicochemical variation, residue mobility, and thermodynamic stability) indicates that this missense variant is not expected to disrupt APC protein function with a negative predictive value of 95%. In summary, the available evidence is currently insufficient to determine the role of this variant in disease. Therefore, it has been classified as a Variant of Uncertain Significance.

Ambry Genetics
Classification: Uncertain significance for Hereditary cancer-predisposing syndrome. Last evaluated: 2025-04-04. Review status: criteria provided, single submitter. Criteria: Ambry Variant Classification Scheme 2023. Collection method: clinical testing. Allele origin: germline.
Comment: The p.P1602T variant (also known as c.4804C>A), located in coding exon 15 of the APC gene, results from a C to A substitution at nucleotide position 4804. The proline at codon 1602 is replaced by threonine, an amino acid with highly similar properties. This amino acid position is not well conserved in available vertebrate species. In addition, in silico predictors for this gene do not accurately predict pathogenicity. Since supporting evidence is limited at this time, the clinical significance of this alteration remains unclear.

All of Us Research Program, National Institutes of Health
Classification: Uncertain significance for Classic or attenuated familial adenomatous polyposis. Last evaluated: 2023-08-28. Review status: criteria provided, single submitter. Criteria: ACMG Guidelines, 2015. Collection method: clinical testing. Allele origin: germline. Inheritance: Autosomal dominant inheritance. Observed: 1 variant allele, 1 heterozygote.
Comment: This missense variant replaces proline with threonine at codon 1602 of the APC protein. Computational prediction suggests that this variant may not impact protein structure and function (internally defined REVEL score threshold <= 0.5, PMID: 27666373). To our knowledge, functional studies have not been reported for this variant. This variant has not been reported in individuals affected with APC-related disorders in the literature. This variant has not been identified in the general population by the Genome Aggregation Database (gnomAD). The available evidence is insufficient to determine the role of this variant in disease conclusively. Therefore, this variant is classified as a Variant of Uncertain Significance.

This study involves interpretation of variants in research participants for the purpose of population health screening. Participant phenotype was not available at the time of variant classification. Additional details can be found in publication PMID: 35346344, PMCID: PMC8962531